The following is an entry in ClinVar:

ClinVar aggregate classification (germline): Likely pathogenic (1 of 4 stars; one submission).

Submission:

Labcorp Genetics (formerly Invitae), Labcorp
Classification: Likely pathogenic. Last evaluated: 2021-04-26. Review status: criteria provided, single submitter. Criteria: Invitae Variant Classification Sherloc (09022015). Collection method: clinical testing. Allele origin: germline.
Comment: In summary, the currently available evidence indicates that the variant is pathogenic, but additional data are needed to prove that conclusively. Therefore, this variant has been classified as Likely Pathogenic. Algorithms developed to predict the effect of sequence changes on RNA splicing suggest that this variant may disrupt the consensus splice site, but this prediction has not been confirmed by published transcriptional studies. This variant has been observed in individual(s) with clinical features of retinitis pigmentosa (Invitae). This variant is not present in population databases (ExAC no frequency). This variant results in the deletion of part of exon 10 (:c.946-8_1069del) of the PRPF31 gene. It is expected to disrupt RNA splicing. Variants that disrupt the donor or acceptor splice site typically lead to a loss of protein function (PMID: 16199547), and loss-of-function variants in PRPF31 are known to be pathogenic (PMID: 18317597, 23950152).

Literature cited by the submitters: PubMed 16199547; PubMed 18317597; PubMed 23950152.

NM_015629.4(PRPF31):c.946-8_1069del

Gene: PRPF31 (pre-mRNA processing factor 31; plus strand). Cytogenetic location: 19q13.42.
Variant type: Deletion.
Coding change: c.946-8_1069del on transcript NM_015629.4 (MANE Select); 8 bases into the intron before coding-DNA position 946 through coding-DNA position 1069, 132 bases deleted.
Molecular consequence: splice acceptor variant.
Genome position (GRCh38, 1-based): chr19:54,128,065-54,128,196, 132 bases deleted. GRCh37 (hg19): chr19:54,631,440-54,631,571.
Identifiers: ClinVar variation 1485235 (VCV001485235.6), dbSNP rs2146443608, ClinGen allele CA2573156655.